The following is an entry in ClinVar:

ClinVar aggregate classification (germline): Likely benign. Review status: criteria provided, multiple submitters, no conflicts (2 of 4 stars). 3 submissions from 3 submitters: Likely benign (3). Last evaluated 2025-12-15.

Conditions:
Autosomal recessive limb-girdle muscular dystrophy type 2J (LGMDR10). Also called: MUSCULAR DYSTROPHY, LIMB-GIRDLE, AUTOSOMAL RECESSIVE 10; Limb-girdle muscular dystrophy, type 2J. Identifiers: Orphanet 140922, MedGen C1837342, MONDO:0012127, OMIM 608807.
Dilated cardiomyopathy 1G (CMD1G). Identifiers: Orphanet 154, MedGen C1858763, MONDO:0011400, OMIM 604145.
Cardiovascular phenotype. Identifiers: MedGen CN230736.

Allele frequency attached by ClinVar (database versions not stated): gnomAD exomes below 0.00001 and 0.00001; gnomAD 0.00002; TOPMed 0.00003.
gnomAD v4.1: 11 of 1,610,776 alleles (0.00068%); highest among the groups gnomAD compares: African/African-American, 0.004%; no homozygotes.

Submissions (3):

Labcorp Genetics (formerly Invitae), Labcorp
Classification: Likely benign for Dilated cardiomyopathy 1G; Autosomal recessive limb-girdle muscular dystrophy type 2J. Last evaluated: 2025-12-15. Review status: criteria provided, single submitter. Criteria: Invitae Variant Classification Sherloc (09022015). Collection method: clinical testing. Allele origin: germline.

Ambry Genetics
Classification: Likely benign for Cardiovascular phenotype. Last evaluated: 2018-09-27. Review status: criteria provided, single submitter. Criteria: Ambry Variant Classification Scheme 2023. Collection method: clinical testing. Allele origin: germline.

GeneDx
Classification: Likely benign. Last evaluated: 2017-08-31. Review status: criteria provided, single submitter. Criteria: GeneDx Variant Classification (06012015). Collection method: clinical testing. Allele origin: germline. Affected: yes.
Comment: This variant is considered likely benign or benign based on one or more of the following criteria: it is a conservative change, it occurs at a poorly conserved position in the protein, it is predicted to be benign by multiple in silico algorithms, and/or has population frequency not consistent with disease.

NM_001267550.2(TTN):c.63819A>G (p.Leu21273=)

Genes: TTN (titin; minus strand), TTN-AS1 (TTN antisense RNA 1; plus strand). Cytogenetic location: 2q31.2.
Variant type: single nucleotide variant.
Coding change: c.63819A>G on transcript NM_001267550.2 (MANE Select); coding-DNA position 63819, A replaced by G.
Protein change: p.Leu21273=; no amino-acid change (leucine 21273 retained).
Molecular consequence: synonymous variant.
Genome position (GRCh38, 1-based): chr2:178,587,392, T>C on the plus strand (A>G on the coding strand, the complement: TTN is on the minus strand). VCF-style: chr2-178587392-T-C. GRCh37 (hg19) VCF-style: chr2-179452119-T-C.
Other names: c.58896A>G, p.Leu19632= (NM_001256850.1); c.36624A>G, p.Leu12208= (NM_003319.4); c.56115A>G, p.Leu18705= (NM_133378.4); c.36999A>G, p.Leu12333= (NM_133432.3); c.37200A>G, p.Leu12400= (NM_133437.4).
Identifiers: ClinVar variation 511909 (VCV000511909.12), dbSNP rs944964747, ClinGen allele CA60965334.